The following is an entry in ClinVar:

NM_022436.3(ABCG5):c.890C>T (p.Pro297Leu)

Genes: ABCG5 (ATP binding cassette subfamily G member 5; minus strand), DYNC2LI1 (dynein cytoplasmic 2 light intermediate chain 1; plus strand). Cytogenetic location: 2p21.
Variant type: single nucleotide variant.
Coding change: c.890C>T on transcript NM_022436.3 (MANE Select); coding-DNA position 890, C replaced by T.
Protein change: p.Pro297Leu; replaces proline 297 with leucine.
Molecular consequence: missense variant. On other transcripts: intron variant (2).
Genome position (GRCh38, 1-based): chr2:43,824,903, G>A on the plus strand (C>T on the coding strand, the complement: ABCG5 is on the minus strand). VCF-style: chr2-43824903-G-A. GRCh37 (hg19) VCF-style: chr2-44052042-G-A.
Other names: c.*16-2483G>A (NM_001348913.2, NM_001348912.2); short protein forms P297L.
Identifiers: ClinVar variation 2564005 (VCV002564005.2), dbSNP rs949163056, ClinGen allele CA46463345.

ClinVar aggregate classification (germline): Uncertain significance (1 of 4 stars; one submission).

Conditions:
Cardiovascular phenotype. Identifiers: MedGen CN230736.

Allele frequency attached by ClinVar (database versions not stated): gnomAD exomes below 0.00001; TOPMed below 0.00001.
gnomAD v4.1: 1 of 1,614,016 alleles (0.000062%); highest among the groups gnomAD compares: African/African-American, 0.0013%; no homozygotes.

Submission:

Ambry Genetics
Classification: Uncertain significance for Cardiovascular phenotype. Last evaluated: 2023-04-07. Review status: criteria provided, single submitter. Criteria: Ambry Variant Classification Scheme 2023. Collection method: clinical testing. Allele origin: germline.
Comment: The p.P297L variant (also known as c.890C>T), located in coding exon 7 of the ABCG5 gene, results from a C to T substitution at nucleotide position 890. The proline at codon 297 is replaced by leucine, an amino acid with similar properties. This amino acid position is conserved. In addition, this alteration is predicted to be deleterious by in silico analysis. Since supporting evidence is limited at this time, the clinical significance of this alteration remains unclear.